The following is an entry in ClinVar:

ClinVar aggregate classification (germline): Benign. Review status: criteria provided, multiple submitters, no conflicts (2 of 4 stars). 2 submissions from 2 submitters: Benign (2). Last evaluated 2019-10-17.

Conditions:
Leigh syndrome (NULS). Also called: Leigh's necrotizing encephalopathy; Leigh's disease; Leigh Syndrome (mtDNA deletion); Leigh Disease; Subacute necrotizing encephalopathy; Necrotizing encephalopathy infantile subacute of Leigh. Identifiers: Orphanet 506, MedGen C2931891, MONDO:0009723, OMIM 256000.

Submissions (2):

Wong Mito Lab, Molecular and Human Genetics, Baylor College of Medicine
Classification: Benign for Leigh syndrome. Last evaluated: 2019-10-17. Review status: criteria provided, single submitter. Criteria: Modified ACMG Guidelines (Unpublished). Collection method: clinical testing. Allele origin: germline.
Comment: The NC_012920.1:m.3523A>G (YP_003024026.1:p.Thr73Ala) variant in MTND1 gene is interpretated to be a Benign variant based on the modified ACMG guidelines (unpublished). This variant meets the following evidence codes: BS1, BS2, BP4

Breakthrough Genomics
Classification: Benign. Review status: criteria provided, single submitter. Criteria: ACMG Guidelines, 2015. Collection method: not provided. Allele origin: germline. Inheritance: Unknown mechanism. Affected: yes.

NC_012920.1(MT-ND1):m.3523A>G

Gene: MT-ND1 (mitochondrially encoded NADH dehydrogenase 1; plus strand).
Variant type: single nucleotide variant.
Genome position: chrM-3523-A-G.
Identifiers: ClinVar variation 692366 (VCV000692366.2), dbSNP rs878982767, ClinGen allele CA414772961.
Genomic context (GRCh38, chrMT:3,523, plus strand): 5'-ATAAAACTCTTCACCAAAGAGCCCCTAAAACCCGCCACATCTACCATCACCCTCTACATC[A>G]CCGCCCCGACCTTAGCTCTCACCATCGCTCTTCTACTATGAACCCCCCTCCCCATACCCA-3'